The following is an entry in ClinVar:

ClinVar aggregate classification (germline): Likely benign. Review status: criteria provided, single submitter (1 of 4 stars). 2 submissions from 2 submitters: Likely benign (1). 1 of the submissions does not count toward it. Last evaluated 2022-06-25.

Conditions:
IFT74-related disorder. Also called: IFT74-related condition; IFT74-Related Disorders.

Allele frequency attached by ClinVar (database versions not stated): TOPMed below 0.00001.

Submissions (2):

Labcorp Genetics (formerly Invitae), Labcorp
Classification: Likely benign. Last evaluated: 2022-06-25. Review status: criteria provided, single submitter. Criteria: Invitae Variant Classification Sherloc (09022015). Collection method: clinical testing. Allele origin: germline.

PreventionGenetics, part of Exact Sciences
Classification: Likely benign for IFT74-related condition. Last evaluated: 2023-01-27. Review status: no assertion criteria provided. Collection method: clinical testing. Allele origin: germline. Not counted in ClinVar's aggregate classification.
Comment: This variant is classified as likely benign based on ACMG/AMP sequence variant interpretation guidelines (Richards et al. 2015 PMID: 25741868, with internal and published modifications).

NM_025103.4(IFT74):c.1110T>G (p.Thr370=)

Gene: IFT74 (intraflagellar transport 74; plus strand). Cytogenetic location: 9p21.2.
Variant type: single nucleotide variant.
Coding change: c.1110T>G on transcript NM_025103.4 (MANE Select); coding-DNA position 1110, T replaced by G.
Protein change: p.Thr370=; no amino-acid change (threonine 370 retained).
Molecular consequence: synonymous variant.
Genome position (GRCh38, 1-based): chr9:27,047,275, T>G. VCF-style: chr9-27047275-T-G. GRCh37 (hg19) VCF-style: chr9-27047273-T-G.
Other names: c.1110T>G, p.Thr370= (NM_001099222.3, NM_001099223.3, NM_001349928.2); c.1110T>G (NM_025103.2).
Identifiers: ClinVar variation 2010536 (VCV002010536.5), dbSNP rs1402788596, ClinGen allele CA464168703.